The following is an entry in ClinVar:

ClinVar aggregate classification (germline): Likely pathogenic (1 of 4 stars; one submission).

Conditions:
Catecholaminergic polymorphic ventricular tachycardia 1. Also called: VENTRICULAR TACHYCARDIA, CATECHOLAMINERGIC POLYMORPHIC, 1, WITH OR WITHOUT ATRIAL DYSFUNCTION AND/OR DILATED CARDIOMYOPATHY; VENTRICULAR TACHYCARDIA, STRESS-INDUCED POLYMORPHIC 1; RYR2-Related Catecholaminergic Polymorphic Ventricular Tachycardia. Identifiers: Orphanet 3286, MedGen C1631597, MONDO:0011484, OMIM 604772.

Submission:

Labcorp Genetics (formerly Invitae), Labcorp
Classification: Likely pathogenic for Catecholaminergic polymorphic ventricular tachycardia 1. Last evaluated: 2018-06-08. Review status: criteria provided, single submitter. Criteria: Invitae Variant Classification Sherloc (09022015). Collection method: clinical testing. Allele origin: germline.
Comment: This variant is not present in population databases (ExAC no frequency). This variant has been observed to be de novo in individuals affected with catecholaminergic polymorphic ventricular tachycardia (Invitae). Algorithms developed to predict the effect of missense changes on protein structure and function (SIFT, PolyPhen-2, Align-GVGD) all suggest that this variant is likely to be disruptive, but these predictions have not been confirmed by published functional studies and their clinical significance is uncertain. In summary, the currently available evidence indicates that the variant is pathogenic, but additional data are needed to prove that conclusively. Therefore, this variant has been classified as Likely Pathogenic. This sequence change replaces glutamine with glutamic acid at codon 3955 of the RYR2 protein (p.Gln3955Glu). The glutamine residue is highly conserved and there is a small physicochemical difference between glutamine and glutamic acid.

NM_001035.3(RYR2):c.11863C>G (p.Gln3955Glu)

Gene: RYR2 (ryanodine receptor 2; plus strand). Cytogenetic location: 1q43.
Variant type: single nucleotide variant.
Coding change: c.11863C>G on transcript NM_001035.3 (MANE Select); coding-DNA position 11863, C replaced by G.
Protein change: p.Gln3955Glu; replaces glutamine 3955 with glutamic acid.
Molecular consequence: missense variant.
Genome position (GRCh38, 1-based): chr1:237,778,753, C>G. VCF-style: chr1-237778753-C-G. GRCh37 (hg19) VCF-style: chr1-237942053-C-G.
Other names: c.11863C>G, p.Gln3955Glu (LRG_402t1); short protein forms Q3955E.
Identifiers: ClinVar variation 575059 (VCV000575059.10), dbSNP rs1558393802, ClinGen allele CA345409507.